The following is an entry in ClinVar:

NM_001100913.3(PACS2):c.930C>T (p.Ser310=)

Gene: PACS2 (phosphofurin acidic cluster sorting protein 2; plus strand). Cytogenetic location: 14q32.33.
Variant type: single nucleotide variant.
Coding change: c.930C>T on transcript NM_001100913.3 (MANE Select); coding-DNA position 930, C replaced by T.
Protein change: p.Ser310=; no amino-acid change (serine 310 retained).
Molecular consequence: synonymous variant.
Genome position (GRCh38, 1-based): chr14:105,376,896, C>T. VCF-style: chr14-105376896-C-T. GRCh37 (hg19) VCF-style: chr14-105843233-C-T.
Other names: c.705C>T, p.Ser235= (NM_001243127.3); c.930C>T, p.Ser310= (NM_015197.4).
Identifiers: ClinVar variation 2644920 (VCV002644920.27), dbSNP rs781824817, ClinGen allele CA266571595.

ClinVar aggregate classification (germline): Likely benign. Review status: criteria provided, multiple submitters, no conflicts (2 of 4 stars). 2 submissions from 2 submitters: Likely benign (2). Last evaluated 2023-03-01.

Allele frequency attached by ClinVar (database versions not stated): TOPMed below 0.00001; gnomAD 0.00001; gnomAD exomes 0.00002.
gnomAD v4.1: 31 of 1,611,514 alleles (0.0019%); highest among the groups gnomAD compares: African/African-American, 0.004%; no homozygotes.

Submissions (2):

Labcorp Genetics (formerly Invitae), Labcorp
Classification: Likely benign. Last evaluated: 2023-03-01. Review status: criteria provided, single submitter. Criteria: Invitae Variant Classification Sherloc (09022015). Collection method: clinical testing. Allele origin: germline.

CeGaT Center for Human Genetics Tuebingen
Classification: Likely benign. Last evaluated: 2022-07-01. Review status: criteria provided, single submitter. Criteria: CeGaT Center For Human Genetics Tuebingen Variant Classification Criteria Version 2. Collection method: clinical testing. Allele origin: germline. Affected: yes. Observed: 1 variant allele.
Comment: PACS2: BP4, BP7